The following is an entry in ClinVar:

NM_003482.4(KMT2D):c.4814T>C (p.Met1605Thr)

Gene: KMT2D (lysine methyltransferase 2D; minus strand). Cytogenetic location: 12q13.12.
Variant type: single nucleotide variant.
Coding change: c.4814T>C on transcript NM_003482.4 (MANE Select); coding-DNA position 4814, T replaced by C.
Protein change: p.Met1605Thr; replaces methionine 1605 with threonine.
Molecular consequence: missense variant.
Genome position (GRCh38, 1-based): chr12:49,044,893, A>G on the plus strand (T>C on the coding strand, the complement: KMT2D is on the minus strand). VCF-style: chr12-49044893-A-G. GRCh37 (hg19) VCF-style: chr12-49438676-A-G.
Other names: short protein forms M1605T.
Identifiers: ClinVar variation 1064562 (VCV001064562.5), dbSNP rs2120589159, ClinGen allele CA384640925.

ClinVar aggregate classification (germline): Uncertain significance. Review status: criteria provided, multiple submitters, no conflicts (2 of 4 stars). 3 submissions from 3 submitters: Uncertain significance (3). Last evaluated 2025-08-29.

Conditions:
Inborn genetic diseases. Identifiers: MedGen C0950123, MeSH D030342.
Kabuki syndrome. Also called: NIIKAWA-KUROKI SYNDROME; Kabuki make-up syndrome. Identifiers: Orphanet 2322, MedGen C0796004, MONDO:0016512.
Kabuki syndrome 1 (KABUK1). Also called: KMT2D-Related Kabuki Syndrome. Identifiers: Orphanet 2322, MedGen CN030661, MONDO:0007843, OMIM 147920.

Allele frequency attached by ClinVar (database versions not stated): gnomAD exomes below 0.00001.

Submissions (3):

Labcorp Genetics (formerly Invitae), Labcorp
Classification: Uncertain significance for Kabuki syndrome. Last evaluated: 2025-08-29. Review status: criteria provided, single submitter. Criteria: Invitae Variant Classification Sherloc (09022015). Collection method: clinical testing. Allele origin: germline.
Comment: This sequence change replaces methionine, which is neutral and non-polar, with threonine, which is neutral and polar, at codon 1605 of the KMT2D protein (p.Met1605Thr). This variant is not present in population databases (gnomAD no frequency). This variant has not been reported in the literature in individuals affected with KMT2D-related conditions. ClinVar contains an entry for this variant (Variation ID: 1064562). Invitae Evidence Modeling of protein sequence and biophysical properties (such as structural, functional, and spatial information, amino acid conservation, physicochemical variation, residue mobility, and thermodynamic stability) indicates that this missense variant is not expected to disrupt KMT2D protein function with a negative predictive value of 95%. In summary, the available evidence is currently insufficient to determine the role of this variant in disease. Therefore, it has been classified as a Variant of Uncertain Significance.

Ambry Genetics
Classification: Uncertain significance for Inborn genetic diseases. Last evaluated: 2022-08-12. Review status: criteria provided, single submitter. Criteria: Ambry Variant Classification Scheme 2023. Collection method: clinical testing. Allele origin: germline.

UNC Molecular Genetics  Laboratory, University of North Carolina at Chapel Hill
Classification: Uncertain significance for Kabuki syndrome 1. Last evaluated: 2020-05-01. Review status: criteria provided, single submitter. Criteria: ACMG Guidelines, 2015. Collection method: research. Allele origin: germline. Observed: 1 variant allele. Study: CSER_NCGENES.
Comment: The KMT2D c.4814T>C (p.Met1605Thr) is a missense variant that changes a single amino acid from a methionine to a threonine. This variant has not been reported previously in the medical literature or in human population variant databases such as gnomAD. This variant has conflicting predictions of pathogenicity by in silico tools and therefore its effect on protein function is unknown. This variant is considered a variant of uncertain clinical significance.